The following is an entry in ClinVar:

NM_020859.4(SHROOM3):c.2905C>T (p.Arg969Trp)

Genes: SHROOM3 (shroom family member 3; plus strand), SHROOM3-AS1 (SHROOM3 antisense RNA 1; minus strand). Cytogenetic location: 4q21.1.
Variant type: single nucleotide variant.
Coding change: c.2905C>T on transcript NM_020859.4 (MANE Select); coding-DNA position 2905, C replaced by T.
Protein change: p.Arg969Trp; replaces arginine 969 with tryptophan.
Molecular consequence: missense variant.
Genome position (GRCh38, 1-based): chr4:76,741,078, C>T. VCF-style: chr4-76741078-C-T. GRCh37 (hg19) VCF-style: chr4-77662231-C-T.
Other names: c.2905C>T (NM_020859.3); short protein forms R969W.
Identifiers: ClinVar variation 1175103 (VCV001175103.6), dbSNP rs3733245, ClinGen allele CA2972659.

ClinVar aggregate classification (germline): Likely benign. Review status: no assertion criteria provided (0 of 4 stars). 3 submissions from 3 submitters: Likely benign (3). Last evaluated 2019-04-16.

Conditions:
SHROOM3-related disorder. Also called: SHROOM3-related condition.

Allele frequency attached by ClinVar (database versions not stated): gnomAD exomes 0.00077 and 0.00400; gnomAD 0.00111 and 0.00150; TOPMed 0.00179; ExAC 0.00338; 1000 Genomes Project 30x 0.00703; 1000 Genomes Project 0.00839.
gnomAD v4.1: 1,387 of 1,534,732 alleles (0.09%); highest among the groups gnomAD compares: East Asian, 2.8%; 26 homozygotes.

Submissions (3):

PreventionGenetics, part of Exact Sciences
Classification: Likely benign for SHROOM3-related condition. Last evaluated: 2019-04-16. Review status: no assertion criteria provided. Collection method: clinical testing. Allele origin: germline.
Comment: This variant is classified as likely benign based on ACMG/AMP sequence variant interpretation guidelines (Richards et al. 2015 PMID: 25741868, with internal and published modifications).

Diagnostic Laboratory, Department of Genetics, University Medical Center Groningen
Classification: Likely benign. Review status: no assertion criteria provided. Collection method: clinical testing. Allele origin: germline. Affected: yes. Study: VKGL Data-share Consensus.

Laboratory of Diagnostic Genome Analysis, Leiden University Medical Center (LUMC)
Classification: Likely benign. Review status: no assertion criteria provided. Collection method: clinical testing. Allele origin: germline. Affected: yes. Study: VKGL Data-share Consensus.